The following is an entry in ClinVar:

ClinVar aggregate classification (germline): Pathogenic (1 of 4 stars; one submission).

Submission:

GeneDx
Classification: Pathogenic. Last evaluated: 2024-07-09. Review status: criteria provided, single submitter. Criteria: GeneDx Variant Classification Process June 2021. Collection method: clinical testing. Allele origin: germline. Affected: yes.
Comment: Has been reported as a likely pathogenic variant in association with DCM (PMID: 32160020); Frameshift variant predicted to result in protein truncation or nonsense mediated decay in a gene for which loss of function is a known mechanism of disease; Located in the A-band region of TTN in which the majority of loss of function variants have been associated with autosomal dominant titinopathies (PMID: 22335739); Not observed at significant frequency in large population cohorts (gnomAD); This variant is associated with the following publications: (PMID: 32160020, 22335739)

NM_001267550.2(TTN):c.66804_66807del (p.Lys22269fs)

Genes: TTN (titin; minus strand), TTN-AS1 (TTN antisense RNA 1; plus strand). Cytogenetic location: 2q31.2.
Variant type: Deletion.
Coding change: c.66804_66807del on transcript NM_001267550.2 (MANE Select); coding-DNA positions 66804 to 66807, 4 bases deleted (GAAG; older notation c.66804_66807delGAAG).
Protein change: p.Lys22269fs; shifts the reading frame from lysine 22269.
Molecular consequence: frameshift variant.
Genome position (GRCh38, 1-based): chr2:178,580,572-178,580,575, CTTC deleted on the plus strand (GAAG on the coding strand, the reverse complement: TTN is on the minus strand); deleting any 4 consecutive bases within chr2:178,580,572-178,580,578 gives the same sequence; the c. name uses the placement nearest the transcript's 3' end. VCF-style (leftmost placement, unchanged base first): chr2-178580571-TCTTC-T. GRCh37 (hg19) VCF-style: chr2-179445298-TCTTC-T.
Other names: c.61881_61884del, p.Lys20628fs (NM_001256850.1); c.39609_39612del, p.Lys13204fs (NM_003319.4); c.59100_59103del, p.Lys19701fs (NM_133378.4); c.39984_39987del, p.Lys13329fs (NM_133432.3); c.40185_40188del, p.Lys13396fs (NM_133437.4); c.61881_61884delGAAG (NM_001256850.1); short protein forms K19701fs, K20628fs, K13329fs, K13396fs, K22269fs, K13204fs.
Identifiers: ClinVar variation 423038 (VCV000423038.4), dbSNP rs1064796186, ClinGen allele CA16617362.
Genomic context (GRCh38, chr2:178,580,571, plus strand): 5'-GTGGGCGTCCTTTTACTGGTACATATAGTCTCATAGTAACTCCAGCACGTAATATGAGTG[TCTTC>T]CTTAAGTCCGCATCAAGTTCTCCCTCAGGTGGAACTGTTTAATTTTGGGTGAAGAAGTTA-3'